The following is an entry in ClinVar:

NM_002890.3(RASA1):c.-4C>T

Gene: RASA1 (RAS p21 protein activator 1; plus strand). Cytogenetic location: 5q14.3.
Variant type: single nucleotide variant.
Coding change: c.-4C>T on transcript NM_002890.3 (MANE Select); 4 bases upstream of the start codon, C replaced by T.
Molecular consequence: 5 prime UTR variant.
Genome position (GRCh38, 1-based): chr5:87,268,448, C>T. VCF-style: chr5-87268448-C-T. GRCh37 (hg19) VCF-style: chr5-86564265-C-T.
Identifiers: ClinVar variation 3355263 (VCV003355263.1).

ClinVar aggregate classification (germline): Likely benign (0 of 4 stars; one submission).

Conditions:
RASA1-related disorder. Also called: RASA1-related condition.

gnomAD v4.1: 6 of 1,544,348 alleles (0.00039%); highest among the groups gnomAD compares: Non-Finnish European, 0.00052%; no homozygotes.

Submission:

PreventionGenetics, part of Exact Sciences
Classification: Likely benign for RASA1-related condition. Last evaluated: 2024-09-04. Review status: no assertion criteria provided. Collection method: clinical testing. Allele origin: germline.
Comment: This variant is classified as likely benign based on ACMG/AMP sequence variant interpretation guidelines (Richards et al. 2015 PMID: 25741868, with internal and published modifications).